The following is an entry in ClinVar:

ClinVar aggregate classification (germline): Uncertain significance (1 of 4 stars; one submission).

Allele frequency attached by ClinVar (database versions not stated): gnomAD 0.00001.
gnomAD v4.1: 11 of 1,611,166 alleles (0.00068%); highest among the groups gnomAD compares: Middle Eastern, 0.017%; no homozygotes.

Submission:

Labcorp Genetics (formerly Invitae), Labcorp
Classification: Uncertain significance. Last evaluated: 2022-08-16. Review status: criteria provided, single submitter. Criteria: Invitae Variant Classification Sherloc (09022015). Collection method: clinical testing. Allele origin: germline.
Comment: In summary, the available evidence is currently insufficient to determine the role of this variant in disease. Therefore, it has been classified as a Variant of Uncertain Significance. Advanced modeling of protein sequence and biophysical properties (such as structural, functional, and spatial information, amino acid conservation, physicochemical variation, residue mobility, and thermodynamic stability) performed at Invitae indicates that this missense variant is not expected to disrupt CDK13 protein function. This variant has not been reported in the literature in individuals affected with CDK13-related conditions. This variant is present in population databases (rs745721867, gnomAD 0.003%). This sequence change replaces asparagine, which is neutral and polar, with histidine, which is basic and polar, at codon 1075 of the CDK13 protein (p.Asn1075His).

NM_003718.5(CDK13):c.3223A>C (p.Asn1075His)

Gene: CDK13 (cyclin dependent kinase 13; plus strand). Cytogenetic location: 7p14.1.
Variant type: single nucleotide variant.
Coding change: c.3223A>C on transcript NM_003718.5 (MANE Select); coding-DNA position 3223, A replaced by C.
Protein change: p.Asn1075His; replaces asparagine 1075 with histidine.
Molecular consequence: missense variant.
Genome position (GRCh38, 1-based): chr7:40,088,319, A>C. VCF-style: chr7-40088319-A-C. GRCh37 (hg19) VCF-style: chr7-40127918-A-C.
Other names: c.3223A>C, p.Asn1075His (NM_031267.4); short protein forms N1075H.
Identifiers: ClinVar variation 2091018 (VCV002091018.4), dbSNP rs745721867, ClinGen allele CA4228892.